The following is an entry in ClinVar:

NM_003737.4(DCHS1):c.6346T>A (p.Ser2116Thr)

Gene: DCHS1 (dachsous cadherin-related 1; minus strand). Cytogenetic location: 11p15.4.
Variant type: single nucleotide variant.
Coding change: c.6346T>A on transcript NM_003737.4 (MANE Select); coding-DNA position 6346, T replaced by A.
Protein change: p.Ser2116Thr; replaces serine 2116 with threonine.
Molecular consequence: missense variant.
Genome position (GRCh38, 1-based): chr11:6,626,570, A>T on the plus strand (T>A on the coding strand, the complement: DCHS1 is on the minus strand). VCF-style: chr11-6626570-A-T. GRCh37 (hg19) VCF-style: chr11-6647801-A-T.
Other names: short protein forms S2116T.
Identifiers: ClinVar variation 2694442 (VCV002694442.3), dbSNP rs894721552, ClinGen allele CA217297127.
Genomic context (GRCh38, chr11:6,626,570, plus strand): 5'-CAGTAGCCTGTCCTGCACAGAGCCCCTGCTCCTATTTCTTACCTGTACTAGGCTGGATGG[A>T]GAATGTCCCTTTCTCATTCCCACTGAGAATGCTGTAGGTGATGGGTCCATTTGTGCCTCC-3'
Protein context (NP_003728.1, residues 2106-2126): ILSGNEKGTF[Ser2116Thr]IQPSTGAITV

ClinVar aggregate classification (germline): Uncertain significance (1 of 4 stars; one submission).

Allele frequency attached by ClinVar (database versions not stated): gnomAD 0.00001; TOPMed 0.00001.
gnomAD v4.1: 1 of 1,613,856 alleles (0.000062%); highest among the groups gnomAD compares: African/African-American, 0.0013%; no homozygotes.

Submission:

Labcorp Genetics (formerly Invitae), Labcorp
Classification: Uncertain significance. Last evaluated: 2023-12-05. Review status: criteria provided, single submitter. Criteria: Invitae Variant Classification Sherloc (09022015). Collection method: clinical testing. Allele origin: germline.
Comment: This sequence change replaces serine, which is neutral and polar, with threonine, which is neutral and polar, at codon 2116 of the DCHS1 protein (p.Ser2116Thr). This variant is present in population databases (no rsID available, gnomAD 0.01%). This variant has not been reported in the literature in individuals affected with DCHS1-related conditions. Advanced modeling of protein sequence and biophysical properties (such as structural, functional, and spatial information, amino acid conservation, physicochemical variation, residue mobility, and thermodynamic stability) performed at Invitae indicates that this missense variant is not expected to disrupt DCHS1 protein function with a negative predictive value of 80%. In summary, the available evidence is currently insufficient to determine the role of this variant in disease. Therefore, it has been classified as a Variant of Uncertain Significance.